The following is an entry in ClinVar:

NM_139318.5(KCNH5):c.379A>G (p.Thr127Ala)

Gene: KCNH5 (potassium voltage-gated channel subfamily H member 5; minus strand). Cytogenetic location: 14q23.2.
Variant type: single nucleotide variant.
Coding change: c.379A>G on transcript NM_139318.5 (MANE Select); coding-DNA position 379, A replaced by G.
Protein change: p.Thr127Ala; replaces threonine 127 with alanine.
Molecular consequence: missense variant.
Genome position (GRCh38, 1-based): chr14:63,001,385, T>C on the plus strand (A>G on the coding strand, the complement: KCNH5 is on the minus strand). VCF-style: chr14-63001385-T-C. GRCh37 (hg19) VCF-style: chr14-63468103-T-C.
Other names: c.379A>G, p.Thr127Ala (NM_172375.3); short protein forms T127A.
Identifiers: ClinVar variation 2115833 (VCV002115833.4), dbSNP rs2503069411, ClinGen allele CA390105067.

ClinVar aggregate classification (germline): Uncertain significance (1 of 4 stars; one submission).

Conditions:
Early-infantile DEE. Also called: Early infantile epileptic encephalopathy; Ohtahara syndrome; Early infantile epileptic encephalopathy with suppression bursts. Identifiers: Orphanet 1934, MedGen C0393706, MONDO:0800491.

Allele frequency attached by ClinVar (database versions not stated): gnomAD exomes 0.00001.
gnomAD v4.1: 4 of 1,613,076 alleles (0.00025%); highest among the groups gnomAD compares: South Asian, 0.0044%; 1 homozygote.

Submission:

Labcorp Genetics (formerly Invitae), Labcorp
Classification: Uncertain significance for Early-infantile DEE. Last evaluated: 2022-03-23. Review status: criteria provided, single submitter. Criteria: Invitae Variant Classification Sherloc (09022015). Collection method: clinical testing. Allele origin: germline.
Comment: In summary, the available evidence is currently insufficient to determine the role of this variant in disease. Therefore, it has been classified as a Variant of Uncertain Significance. Advanced modeling of protein sequence and biophysical properties (such as structural, functional, and spatial information, amino acid conservation, physicochemical variation, residue mobility, and thermodynamic stability) performed at Invitae indicates that this missense variant is expected to disrupt KCNH5 protein function. This variant has not been reported in the literature in individuals affected with KCNH5-related conditions. This variant is not present in population databases (gnomAD no frequency). This sequence change replaces threonine, which is neutral and polar, with alanine, which is neutral and non-polar, at codon 127 of the KCNH5 protein (p.Thr127Ala).